The following is an entry in ClinVar:

NM_002700.3(POU4F3):c.406G>C (p.Glu136Gln)

Genes: POU4F3 (POU class 4 homeobox 3; plus strand), RBM27-POU4F3 (RBM27-POU4F3 readthrough; plus strand). Cytogenetic location: 5q32.
Variant type: single nucleotide variant.
Coding change: c.406G>C on transcript NM_002700.3 (MANE Select); coding-DNA position 406, G replaced by C.
Protein change: p.Glu136Gln; replaces glutamic acid 136 with glutamine.
Molecular consequence: missense variant. On other transcripts: 3 prime UTR variant (1).
Genome position (GRCh38, 1-based): chr5:146,339,833, G>C. VCF-style: chr5-146339833-G-C. GRCh37 (hg19) VCF-style: chr5-145719396-G-C.
Other names: c.*275G>C (NM_001414499.1); short protein forms E136Q.
Identifiers: ClinVar variation 1948575 (VCV001948575.5), dbSNP rs771471183, ClinGen allele CA361620631.

ClinVar aggregate classification (germline): Uncertain significance (1 of 4 stars; one submission).

Submission:

Labcorp Genetics (formerly Invitae), Labcorp
Classification: Uncertain significance. Last evaluated: 2022-07-06. Review status: criteria provided, single submitter. Criteria: Invitae Variant Classification Sherloc (09022015). Collection method: clinical testing. Allele origin: germline.
Comment: In summary, the available evidence is currently insufficient to determine the role of this variant in disease. Therefore, it has been classified as a Variant of Uncertain Significance. Algorithms developed to predict the effect of missense changes on protein structure and function (SIFT, PolyPhen-2, Align-GVGD) all suggest that this variant is likely to be tolerated. This variant has not been reported in the literature in individuals affected with POU4F3-related conditions. This variant is not present in population databases (gnomAD no frequency). This sequence change replaces glutamic acid, which is acidic and polar, with glutamine, which is neutral and polar, at codon 136 of the POU4F3 protein (p.Glu136Gln).